The following is an entry in ClinVar:

ClinVar aggregate classification (germline): Uncertain significance (1 of 4 stars; one submission).

Submission:

Ambry Genetics
Classification: Uncertain significance. Last evaluated: 2025-09-28. Review status: criteria provided, single submitter. Criteria: Ambry Variant Classification Scheme 2023. Collection method: clinical testing. Allele origin: germline.
Comment: The p.S230G variant (also known as c.688A>G), located in coding exon 3 of the PALLD gene, results from an A to G substitution at nucleotide position 688. The serine at codon 230 is replaced by glycine, an amino acid with similar properties. This amino acid position is conserved. In addition, the in silico prediction for this alteration is inconclusive. Based on the available evidence, the clinical significance of this variant remains unclear.

NM_001166108.2(PALLD):c.2149A>G (p.Ser717Gly)

Genes: CBR4 (carbonyl reductase 4; minus strand), PALLD (palladin, cytoskeletal associated protein; plus strand). Cytogenetic location: 4q32.3.
Variant type: single nucleotide variant.
Coding change: c.2149A>G on transcript NM_001166108.2 (MANE Select); coding-DNA position 2149, A replaced by G.
Protein change: p.Ser717Gly; replaces serine 717 with glycine.
Molecular consequence: missense variant.
Genome position (GRCh38, 1-based): chr4:168,894,627, A>G. VCF-style: chr4-168894627-A-G. GRCh37 (hg19) VCF-style: chr4-169815778-A-G.
Other names: c.1003A>G, p.Ser335Gly (NM_001166109.2); c.688A>G, p.Ser230Gly (NM_001166110.2); c.28A>G, p.Ser10Gly (NM_001367567.1, NM_001367568.1, NM_001367569.1 and 1 more transcripts); c.2149A>G, p.Ser717Gly (NM_016081.4); short protein forms S335G, S717G, S10G, S230G.
Identifiers: ClinVar variation 4564148 (VCV004564148.1).